The following is an entry in ClinVar:

ClinVar aggregate classification (germline): Uncertain significance. Review status: criteria provided, multiple submitters, no conflicts (2 of 4 stars). 2 submissions from 2 submitters: Uncertain significance (2). Last evaluated 2022-04-09.

Conditions:
Mitochondrial complex I deficiency, nuclear type 1. Also called: NADH-COENZYME Q REDUCTASE DEFICIENCY; MITOCHONDRIAL NADH DEHYDROGENASE COMPONENT OF COMPLEX I, DEFICIENCY OF. Identifiers: MedGen C6022305, MONDO:0100224, OMIM 252010.

Submissions (2):

Labcorp Genetics (formerly Invitae), Labcorp
Classification: Uncertain significance. Last evaluated: 2022-04-09. Review status: criteria provided, single submitter. Criteria: Invitae Variant Classification Sherloc (09022015). Collection method: clinical testing. Allele origin: germline.
Comment: This sequence change replaces serine, which is neutral and polar, with threonine, which is neutral and polar, at codon 56 of the NDUFV1 protein (p.Ser56Thr). This variant is present in population databases (no rsID available, gnomAD 0.01%). This variant has not been reported in the literature in individuals affected with NDUFV1-related conditions. ClinVar contains an entry for this variant (Variation ID: 1030191). Advanced modeling of protein sequence and biophysical properties (such as structural, functional, and spatial information, amino acid conservation, physicochemical variation, residue mobility, and thermodynamic stability) performed at Invitae indicates that this missense variant is not expected to disrupt NDUFV1 protein function. In summary, the available evidence is currently insufficient to determine the role of this variant in disease. Therefore, it has been classified as a Variant of Uncertain Significance.

Baylor Genetics
Classification: Uncertain significance for Mitochondrial complex I deficiency, nuclear type 1. Last evaluated: 2020-01-15. Review status: criteria provided, single submitter. Criteria: ACMG Guidelines, 2015. Collection method: clinical testing. Allele origin: paternal. Affected: yes.
Comment: This variant was determined to be of uncertain significance according to ACMG Guidelines, 2015 [PMID:25741868].

NM_007103.4(NDUFV1):c.166T>A (p.Ser56Thr)

Gene: NDUFV1 (NADH:ubiquinone oxidoreductase core subunit V1; plus strand). Cytogenetic location: 11q13.2.
Variant type: single nucleotide variant.
Coding change: c.166T>A on transcript NM_007103.4 (MANE Select); coding-DNA position 166, T replaced by A.
Protein change: p.Ser56Thr; replaces serine 56 with threonine.
Molecular consequence: missense variant.
Genome position (GRCh38, 1-based): chr11:67,608,562, T>A. VCF-style: chr11-67608562-T-A. GRCh37 (hg19) VCF-style: chr11-67376033-T-A.
Other names: c.139T>A, p.Ser47Thr (NM_001166102.2); short protein forms S47T, S56T.
Identifiers: ClinVar variation 1030191 (VCV001030191.3), dbSNP rs201727685, ClinGen allele CA381533129.